The following is an entry in ClinVar:

NM_001267550.2(TTN):c.55345T>C (p.Cys18449Arg)

Genes: TTN (titin; minus strand), TTN-AS1 (TTN antisense RNA 1; plus strand). Cytogenetic location: 2q31.2.
Variant type: single nucleotide variant.
Coding change: c.55345T>C on transcript NM_001267550.2 (MANE Select); coding-DNA position 55345, T replaced by C.
Protein change: p.Cys18449Arg; replaces cysteine 18449 with arginine.
Molecular consequence: missense variant.
Genome position (GRCh38, 1-based): chr2:178,601,745, A>G on the plus strand (T>C on the coding strand, the complement: TTN is on the minus strand). VCF-style: chr2-178601745-A-G. GRCh37 (hg19) VCF-style: chr2-179466472-A-G.
Other names: c.50422T>C, p.Cys16808Arg (NM_001256850.1); c.28150T>C, p.Cys9384Arg (NM_003319.4); c.47641T>C, p.Cys15881Arg (NM_133378.4); c.28525T>C, p.Cys9509Arg (NM_133432.3); c.28726T>C, p.Cys9576Arg (NM_133437.4); short protein forms C16808R, C9384R, C15881R, C18449R, C9576R, C9509R.
Identifiers: ClinVar variation 1027853 (VCV001027853.1), dbSNP rs2053507157, ClinGen allele CA349542164.

ClinVar aggregate classification (germline): Uncertain significance (1 of 4 stars; one submission).

Conditions:
Early-onset myopathy with fatal cardiomyopathy (CMYO5). Also called: Salih Myopathy; CONGENITAL MYOPATHY 5 WITH CARDIOMYOPATHY. Identifiers: Orphanet 289377, MedGen C2673677, MONDO:0012714, OMIM 611705. Disease mechanism: loss of function.

Submission:

Baylor Genetics
Classification: Uncertain significance for Early-onset myopathy with fatal cardiomyopathy. Last evaluated: 2019-12-06. Review status: criteria provided, single submitter. Criteria: ACMG Guidelines, 2015. Collection method: clinical testing. Allele origin: unknown. Affected: yes.
Comment: This variant was determined to be of uncertain significance according to ACMG Guidelines, 2015 [PMID:25741868].